The following is an entry in ClinVar:

NM_001008537.3(NEXMIF):c.1629_1635dup (p.Asn546delinsHisHisTer)

Gene: NEXMIF (neurite extension and migration factor; minus strand). Cytogenetic location: Xq13.3.
Variant type: Duplication.
Coding change: c.1629_1635dup on transcript NM_001008537.3 (MANE Select); coding-DNA positions 1629 to 1635, 7 bases duplicated (CATCATT; older notation c.1629_1635dupCATCATT).
Protein change: p.Asn546delinsHisHisTer.
Molecular consequence: nonsense.
Genome position (GRCh38, 1-based): chrX:74,742,922-74,742,928, AATGATG duplicated on the plus strand (CATCATT on the coding strand, the reverse complement: NEXMIF is on the minus strand); duplicating any 7 consecutive bases within chrX:74,742,922-74,742,929 gives the same sequence; the c. name uses the placement nearest the transcript's 3' end. VCF-style (leftmost placement, unchanged base first): chrX-74742921-T-TAATGATG. GRCh37 (hg19) VCF-style: chrX-73962756-T-TAATGATG.
Identifiers: ClinVar variation 1366791 (VCV001366791.6), dbSNP rs2147440783, ClinGen allele CA2573159507.

ClinVar aggregate classification (germline): Pathogenic (1 of 4 stars; one submission).

Submission:

Labcorp Genetics (formerly Invitae), Labcorp
Classification: Pathogenic. Last evaluated: 2021-08-27. Review status: criteria provided, single submitter. Criteria: Invitae Variant Classification Sherloc (09022015). Collection method: clinical testing. Allele origin: germline.
Comment: For these reasons, this variant has been classified as Pathogenic. This variant has not been reported in the literature in individuals affected with NEXMIF-related conditions. This variant is not present in population databases (ExAC no frequency). This sequence change creates a premature translational stop signal (p.Asn546Hisfs*3) in the NEXMIF gene. It is expected to result in an absent or disrupted protein product. Loss-of-function variants in NEXMIF are known to be pathogenic (PMID: 23615299).

Literature cited by the submitters: PubMed 23615299.